The following is an entry in ClinVar:

ClinVar aggregate classification (germline): Pathogenic. Review status: criteria provided, multiple submitters, no conflicts (2 of 4 stars). 2 submissions from 2 submitters: Pathogenic (2). Last evaluated 2024-05-14.

Conditions:
Primary ciliary dyskinesia 3. Identifiers: Orphanet 244, MedGen C1837618, MONDO:0012085, OMIM 608644.

Submissions (2):

Myriad Genetics, Inc.
Classification: Pathogenic for Primary ciliary dyskinesia 3. Last evaluated: 2024-05-14. Review status: criteria provided, single submitter. Criteria: Myriad Autosomal Dominant, Autosomal Recessive and X-Linked Classification Criteria (2023). Collection method: clinical testing. Allele origin: unknown.
Comment: NM_001369.2(DNAH5):c.4830dupA(W1611Mfs*47) is expected to be pathogenic in the context of primary ciliary dyskinesia, DNAH5-related. This variant is predicted to lead to an abnormal or absent protein product due to the creation of a premature termination codon in DNAH5, a gene where loss-of-function variants are known to be pathogenic. Please note: this variant was assessed in the context of healthy population screening.

CeGaT Center for Human Genetics Tuebingen
Classification: Pathogenic. Last evaluated: 2022-08-01. Review status: criteria provided, single submitter. Criteria: CeGaT Center For Human Genetics Tuebingen Variant Classification Criteria Version 2. Collection method: clinical testing. Allele origin: germline. Affected: yes. Observed: 1 variant allele.
Comment: DNAH5: PVS1, PM2, PP4

NM_001369.3(DNAH5):c.4830dup (p.Trp1611fs)

Genes: DNAH5 (dynein axonemal heavy chain 5; minus strand), LOC126807318 (MED14-independent group 3 enhancer GRCh37_chr5:13858976-13860175; plus strand). Cytogenetic location: 5p15.2.
Variant type: Duplication.
Coding change: c.4830dup on transcript NM_001369.3 (MANE Select); coding-DNA position 4830, one base duplicated (A; older notation c.4830dupA).
Protein change: p.Trp1611fs; shifts the reading frame from tryptophan 1611.
Molecular consequence: frameshift variant.
Genome position (GRCh38, 1-based): chr5:13,859,572, T duplicated on the plus strand (A on the coding strand, the reverse complement: DNAH5 is on the minus strand); the first of 5 consecutive T bases (chr5:13,859,572-13,859,576); duplicating any one gives the same sequence. VCF-style (leftmost placement, unchanged base first): chr5-13859571-A-AT. GRCh37 (hg19) VCF-style: chr5-13859680-A-AT.
Other names: short protein forms W1611fs.
Identifiers: ClinVar variation 1711601 (VCV001711601.31), dbSNP rs2546965753, ClinGen allele CA2580072054.
Genomic context (GRCh38, chr5:13,859,571, plus strand): 5'-GGTTTTGCACCGTCATCCAGCTCTCGATGATGTCTGTTGAGTTGGAAAGGTACTGCACCC[A>AT]TTTTTGAATCTGGGCTTTGAATGGCATATTGTACCTAAAATAAGAAATAGGTTTAGGGTT-3'